The following is an entry in ClinVar:

NM_001129.5(AEBP1):c.1796T>G (p.Ile599Ser)

Gene: AEBP1 (AE binding protein 1; plus strand). Cytogenetic location: 7p13.
Variant type: single nucleotide variant.
Coding change: c.1796T>G on transcript NM_001129.5 (MANE Select); coding-DNA position 1796, T replaced by G.
Protein change: p.Ile599Ser; replaces isoleucine 599 with serine.
Molecular consequence: missense variant.
Genome position (GRCh38, 1-based): chr7:44,111,586, T>G. VCF-style: chr7-44111586-T-G. GRCh37 (hg19) VCF-style: chr7-44151185-T-G.
Other names: short protein forms I599S.
Identifiers: ClinVar variation 1304016 (VCV001304016.11), dbSNP rs137956957, ClinGen allele CA4238008.

ClinVar aggregate classification (germline): Uncertain significance. Review status: criteria provided, multiple submitters, no conflicts (2 of 4 stars). 5 submissions from 5 submitters: Uncertain significance (5). Last evaluated 2026-01-12.

Allele frequency attached by ClinVar (database versions not stated): gnomAD exomes 0.00004 and 0.00009; TOPMed 0.00004; gnomAD 0.00007 and 0.00008; ExAC 0.00008; ESP Exome Variant Server 0.00015.
gnomAD v4.1: 76 of 1,613,106 alleles (0.0047%); highest among the groups gnomAD compares: Non-Finnish European, 0.0036%; no homozygotes.

Submissions (5):

Labcorp Genetics (formerly Invitae), Labcorp
Classification: Uncertain significance. Last evaluated: 2026-01-12. Review status: criteria provided, single submitter. Criteria: Invitae Variant Classification Sherloc (09022015). Collection method: clinical testing. Allele origin: germline.
Comment: This sequence change replaces isoleucine, which is neutral and non-polar, with serine, which is neutral and polar, at codon 599 of the AEBP1 protein (p.Ile599Ser). This variant is present in population databases (rs137956957, gnomAD 0.1%). This variant has not been reported in the literature in individuals affected with AEBP1-related conditions. ClinVar contains an entry for this variant (Variation ID: 1304016). An algorithm developed to predict the effect of missense changes on protein structure and function (PolyPhen-2) suggests that this variant is likely to be disruptive. In summary, the available evidence is currently insufficient to determine the role of this variant in disease. Therefore, it has been classified as a Variant of Uncertain Significance.

Women's Health and Genetics/Laboratory Corporation of America, LabCorp
Classification: Uncertain significance. Last evaluated: 2025-05-28. Review status: criteria provided, single submitter. Criteria: LabCorp Variant Classification Summary - May 2015. Collection method: clinical testing. Allele origin: germline.
Comment: Variant summary: AEBP1 c.1796T>G (p.Ile599Ser) results in a non-conservative amino acid change in the encoded protein sequence. Algorithms developed to predict the effect of missense changes on protein structure and function are either unavailable or do not agree on the potential impact of this missense change. The variant allele was found at a frequency of 8.8e-05 in 248720 control chromosomes. This frequency is not significantly higher than estimated for a pathogenic variant in AEBP1 causing Ehlers-Danlos syndrome, classic-like, 2 (8.8e-05 vs 0.0011), allowing no conclusion about variant significance. To our knowledge, no occurrence of c.1796T>G in individuals affected with Ehlers-Danlos syndrome, classic-like, 2 and no experimental evidence demonstrating its impact on protein function have been reported. ClinVar contains an entry for this variant (Variation ID: 1304016). Based on the evidence outlined above, the variant was classified as uncertain significance.

Blueprint Genetics
Classification: Uncertain significance. Last evaluated: 2024-10-30. Review status: criteria provided, single submitter. Criteria: ACMG Guidelines, 2015. Collection method: clinical testing. Allele origin: germline.

GeneDx
Classification: Uncertain significance. Last evaluated: 2021-01-15. Review status: criteria provided, single submitter. Criteria: GeneDx Variant Classification Process June 2021. Collection method: clinical testing. Allele origin: germline. Affected: yes.
Comment: In silico analysis supports that this missense variant has a deleterious effect on protein structure/function; Has not been previously published as pathogenic or benign to our knowledge

Breakthrough Genomics
Classification: Uncertain significance. Review status: criteria provided, single submitter. Criteria: ACMG Guidelines, 2015. Collection method: not provided. Allele origin: germline. Inheritance: Autosomal recessive inheritance. Affected: yes.